The following is an entry in ClinVar:

NM_001844.5(COL2A1):c.3385C>T (p.Leu1129=)

Gene: COL2A1 (collagen type II alpha 1 chain; minus strand). Cytogenetic location: 12q13.11.
Variant type: single nucleotide variant.
Coding change: c.3385C>T on transcript NM_001844.5 (MANE Select); coding-DNA position 3385, C replaced by T.
Protein change: p.Leu1129=; no amino-acid change (leucine 1129 retained).
Molecular consequence: synonymous variant.
Genome position (GRCh38, 1-based): chr12:47,976,862, G>A on the plus strand (C>T on the coding strand, the complement: COL2A1 is on the minus strand). VCF-style: chr12-47976862-G-A. GRCh37 (hg19) VCF-style: chr12-48370645-G-A.
Other names: p.Leu1129=; c.3178C>T, p.Leu1060= (NM_033150.3).
Identifiers: ClinVar variation 509996 (VCV000509996.17), dbSNP rs745633496, ClinGen allele CA6534774.

ClinVar aggregate classification (germline): Conflicting classifications of pathogenicity. Review status: criteria provided, conflicting classifications (1 of 4 stars). 7 submissions from 6 submitters: Uncertain significance (1); Benign (1); Likely benign (4). 1 of the submissions does not count toward it. Last evaluated 2026-01-19.

Conditions:
Stickler syndrome type 1 (STL1). Also called: STICKLER SYNDROME, MEMBRANOUS VITREOUS TYPE; STICKLER SYNDROME, VITREOUS TYPE 1; ARTHROOPHTHALMOPATHY, HEREDITARY PROGRESSIVE; COL2A1-Related Stickler Syndrome. Identifiers: Orphanet 828, Orphanet 90653, MedGen C2020284, MONDO:0007160, OMIM 108300.
Type 2 collagenopathy. Identifiers: Orphanet 93421, MedGen C2931073, MONDO:0022800.
COL2A1-related disorder. Also called: COL2A1-related condition; COL2A1-related disorders.

Allele frequency attached by ClinVar (database versions not stated): gnomAD 0.00003 and 0.00007; TOPMed 0.00003; gnomAD exomes 0.00004 and 0.00014; ExAC 0.00006.
gnomAD v4.1: 205 of 1,612,938 alleles (0.013%); highest among the groups gnomAD compares: East Asian, 0.45%; no homozygotes.

Submissions (7):

Labcorp Genetics (formerly Invitae), Labcorp
Classification: Likely benign. Last evaluated: 2026-01-19. Review status: criteria provided, single submitter. Criteria: Invitae Variant Classification Sherloc (09022015). Collection method: clinical testing. Allele origin: germline.

Mayo Clinic Laboratories, Mayo Clinic
Classification: Likely benign. Last evaluated: 2025-03-31. Review status: criteria provided, single submitter. Criteria: ACMG Guidelines, 2015. Collection method: clinical testing. Allele origin: germline. Observed: 1 variant allele.
Comment: BS1, BP4, BP7

Blueprint Genetics
Classification: Likely benign. Last evaluated: 2023-12-27. Review status: criteria provided, single submitter. Criteria: ACMG Guidelines, 2015. Collection method: clinical testing. Allele origin: germline.

Illumina Laboratory Services, Illumina
Classification: Benign for Type II Collagenopathies. Last evaluated: 2018-01-13. Review status: criteria provided, single submitter. Criteria: ICSL Variant Classification Criteria 13 December 2019. Collection method: clinical testing. Allele origin: germline.
Comment: This variant was observed in the ICSL laboratory as part of a predisposition screen in an ostensibly healthy population. It had not been previously curated by ICSL or reported in the Human Gene Mutation Database (HGMD: prior to June 1st, 2018), and was therefore a candidate for classification through an automated scoring system. Utilizing variant allele frequency, disease prevalence and penetrance estimates, and inheritance mode, an automated score was calculated to assess if this variant is too frequent to cause the disease. Based on the score and internal cut-off values, a variant classified as benign is not then subjected to further curation. The score for this variant resulted in a classification of benign for this disease.

Illumina Laboratory Services, Illumina
Classification: Uncertain significance for Stickler syndrome type 1. Last evaluated: 2018-01-13. Review status: criteria provided, single submitter. Criteria: ICSL Variant Classification Criteria 13 December 2019. Collection method: clinical testing. Allele origin: germline.

GeneDx
Classification: Likely benign. Last evaluated: 2017-06-05. Review status: criteria provided, single submitter. Criteria: GeneDx Variant Classification (06012015). Collection method: clinical testing. Allele origin: germline. Affected: yes.
Comment: This variant is considered likely benign or benign based on one or more of the following criteria: it is a conservative change, it occurs at a poorly conserved position in the protein, it is predicted to be benign by multiple in silico algorithms, and/or has population frequency not consistent with disease.

PreventionGenetics, part of Exact Sciences
Classification: Likely benign for COL2A1-related condition. Last evaluated: 2019-03-18. Review status: no assertion criteria provided. Collection method: clinical testing. Allele origin: germline. Not counted in ClinVar's aggregate classification.
Comment: This variant is classified as likely benign based on ACMG/AMP sequence variant interpretation guidelines (Richards et al. 2015 PMID: 25741868, with internal and published modifications).